The following is an entry in ClinVar:

ClinVar aggregate classification (germline): Uncertain significance (1 of 4 stars; one submission).

Allele frequency attached by ClinVar (database versions not stated): gnomAD exomes 0.00001; TOPMed 0.00002; gnomAD 0.00004.
gnomAD v4.1: 13 of 1,613,608 alleles (0.00081%); highest among the groups gnomAD compares: African/African-American, 0.0067%; no homozygotes.

Submission:

Labcorp Genetics (formerly Invitae), Labcorp
Classification: Uncertain significance. Last evaluated: 2025-10-07. Review status: criteria provided, single submitter. Criteria: Invitae Variant Classification Sherloc (09022015). Collection method: clinical testing. Allele origin: germline.
Comment: This sequence change replaces serine, which is neutral and polar, with leucine, which is neutral and non-polar, at codon 1466 of the C5 protein (p.Ser1466Leu). This variant is present in population databases (no rsID available, gnomAD 0.01%). This variant has not been reported in the literature in individuals affected with C5-related conditions. ClinVar contains an entry for this variant (Variation ID: 2186034). An algorithm developed to predict the effect of missense changes on protein structure and function (PolyPhen-2) suggests that this variant is likely to be disruptive. In summary, the available evidence is currently insufficient to determine the role of this variant in disease. Therefore, it has been classified as a Variant of Uncertain Significance.

NM_001735.3(C5):c.4397C>T (p.Ser1466Leu)

Gene: C5 (complement C5; minus strand). Cytogenetic location: 9q33.2.
Variant type: single nucleotide variant.
Coding change: c.4397C>T on transcript NM_001735.3 (MANE Select); coding-DNA position 4397, C replaced by T.
Protein change: p.Ser1466Leu; replaces serine 1466 with leucine.
Molecular consequence: missense variant.
Genome position (GRCh38, 1-based): chr9:120,962,894, G>A on the plus strand (C>T on the coding strand, the complement: C5 is on the minus strand). VCF-style: chr9-120962894-G-A. GRCh37 (hg19) VCF-style: chr9-123725172-G-A.
Other names: c.4415C>T, p.Ser1472Leu (NM_001317163.2); short protein forms S1466L, S1472L.
Identifiers: ClinVar variation 2186034 (VCV002186034.2), dbSNP rs965313093, ClinGen allele CA199386056.
Genomic context (GRCh38, chr9:120,962,894, plus strand): 5'-TTAGCCTGTATATTTTGAATAGTAATAGTAAAGGAAAAATGGTTGCAGGTGGAGCTTACC[G>A]AATTCAGTTGCAGAATAACATGTCCATCTTTGATTTGGTAATCAGTGAATAGTTGATCCA-3'
Protein context (NP_001726.2, residues 1456-1476): KDGHVILQLN[Ser1466Leu]IPSSDFLCVR